The following is an entry in ClinVar:

NM_001080467.3(MYO5B):c.3594_3595del (p.Asn1198fs)

Gene: MYO5B (myosin VB; minus strand). Cytogenetic location: 18q21.1.
Variant type: Deletion.
Coding change: c.3594_3595del on transcript NM_001080467.3 (MANE Select); coding-DNA positions 3594 to 3595, 2 bases deleted (TA; older notation c.3594_3595delTA).
Protein change: p.Asn1198fs; shifts the reading frame from asparagine 1198.
Molecular consequence: frameshift variant.
Genome position (GRCh38, 1-based): chr18:49,872,175-49,872,176, TA deleted on the plus strand (TA on the coding strand, the reverse complement: MYO5B is on the minus strand); deleting any 2 consecutive bases within chr18:49,872,175-49,872,177 gives the same sequence; the c. name uses the placement nearest the transcript's 3' end. VCF-style (leftmost placement, unchanged base first): chr18-49872174-CTA-C. GRCh37 (hg19) VCF-style: chr18-47398544-CTA-C.
Other names: short protein forms N1198fs.
Identifiers: ClinVar variation 3621253 (VCV003621253.2).
Genomic context (GRCh38, chr18:49,872,174, plus strand): 5'-TCTGCCCTCTGCCAGGGGAGTGTTCCAGGAAGCCTGTCCCCCAAGAATCTTACCTTCAGA[CTA>C]TTGTAGGCCAGATCTGCATTCGGGTCCAAATCTATGTCAGTCTGTGGTGGTTCCGCCTGC-3'

ClinVar aggregate classification (germline): Pathogenic (1 of 4 stars; one submission).

Submission:

Labcorp Genetics (formerly Invitae), Labcorp
Classification: Pathogenic. Last evaluated: 2024-10-17. Review status: criteria provided, single submitter. Criteria: Invitae Variant Classification Sherloc (09022015). Collection method: clinical testing. Allele origin: germline.
Comment: This sequence change creates a premature translational stop signal (p.Asn1198Lysfs*17) in the MYO5B gene. It is expected to result in an absent or disrupted protein product. Loss-of-function variants in MYO5B are known to be pathogenic (PMID: 18724368, 20186687). This variant is not present in population databases (gnomAD no frequency). This variant has not been reported in the literature in individuals affected with MYO5B-related conditions. For these reasons, this variant has been classified as Pathogenic.

Literature cited by the submitters: PubMed 18724368; PubMed 20186687.